The following is an entry in ClinVar:

NM_007078.3(LDB3):c.492G>T (p.Pro164=)

Gene: LDB3 (LIM domain binding 3; plus strand). Cytogenetic location: 10q23.2.
Variant type: single nucleotide variant.
Coding change: c.492G>T on transcript NM_007078.3 (MANE Select); coding-DNA position 492, G replaced by T.
Protein change: p.Pro164=; no amino-acid change (proline 164 retained).
Molecular consequence: synonymous variant. On other transcripts: intron variant (5).
Genome position (GRCh38, 1-based): chr10:86,681,606, G>T. VCF-style: chr10-86681606-G-T. GRCh37 (hg19) VCF-style: chr10-88441363-G-T.
Other names: c.492G>T, p.Pro164= (NM_001080115.2, NM_001171610.2, NM_001171611.2 and 3 more transcripts); c.321+1449G>T (NM_001368068.1, NM_001368066.1, NM_001080114.2 and 2 more transcripts); c.492G>T (NM_001171610.1).
Identifiers: ClinVar variation 518769 (VCV000518769.21), dbSNP rs368407147, ClinGen allele CA5584718.
Genomic context (GRCh38, chr10:86,681,606, plus strand): 5'-TGCCTTCTCCCGGCCCTCCGCCTTCTCCTCACTCGCCGAGGCCTCTGACCCTGGCCCTCC[G>T]CGGGCCAGCCTGAGGGCCAAGACCAGCCCAGAGGGGGCCCGGGACCTACTCGGCCCAAAA-3'
Protein context (NP_009009.1, residues 154-174): SLAEASDPGP[Pro164=]RASLRAKTSP

ClinVar aggregate classification (germline): Likely benign. Review status: criteria provided, multiple submitters, no conflicts (2 of 4 stars). 6 submissions from 6 submitters: Likely benign (5). 1 of the submissions does not count toward it. Last evaluated 2026-01-26.

Conditions:
Cardiovascular phenotype. Identifiers: MedGen CN230736.
LDB3-related disorder. Also called: LDB3-related condition.
Myofibrillar myopathy 4. Also called: Zaspopathy (type). Identifiers: Orphanet 98912, MedGen C4721886, MONDO:0012277, OMIM 609452.

Allele frequency attached by ClinVar (database versions not stated): ESP Exome Variant Server 0.00008; TOPMed 0.00012; gnomAD 0.00013 and 0.00015.
gnomAD v4.1: 38 of 1,612,888 alleles (0.0024%); highest among the groups gnomAD compares: African/African-American, 0.041%; no homozygotes.

Submissions (6):

Labcorp Genetics (formerly Invitae), Labcorp
Classification: Likely benign for Myofibrillar myopathy 4. Last evaluated: 2026-01-26. Review status: criteria provided, single submitter. Criteria: Invitae Variant Classification Sherloc (09022015). Collection method: clinical testing. Allele origin: germline.

Blueprint Genetics
Classification: Likely benign. Last evaluated: 2024-10-29. Review status: criteria provided, single submitter. Criteria: ACMG Guidelines, 2015. Collection method: clinical testing. Allele origin: germline.

Women's Health and Genetics/Laboratory Corporation of America, LabCorp
Classification: Likely benign. Last evaluated: 2023-08-19. Review status: criteria provided, single submitter. Criteria: LabCorp Variant Classification Summary - May 2015. Collection method: clinical testing. Allele origin: germline.

GeneDx
Classification: Likely benign. Last evaluated: 2020-03-09. Review status: criteria provided, single submitter. Criteria: GeneDx Variant Classification Process June 2021. Collection method: clinical testing. Allele origin: germline. Affected: yes.

Ambry Genetics
Classification: Likely benign for Cardiovascular phenotype. Last evaluated: 2017-12-16. Review status: criteria provided, single submitter. Criteria: Ambry Variant Classification Scheme 2023. Collection method: clinical testing. Allele origin: germline.

PreventionGenetics, part of Exact Sciences
Classification: Likely benign for LDB3-related condition. Last evaluated: 2023-01-04. Review status: no assertion criteria provided. Collection method: clinical testing. Allele origin: germline. Not counted in ClinVar's aggregate classification.
Comment: This variant is classified as likely benign based on ACMG/AMP sequence variant interpretation guidelines (Richards et al. 2015 PMID: 25741868, with internal and published modifications).